The following is an entry in ClinVar:

NM_003073.5(SMARCB1):c.413G>C (p.Ser138Thr)

Gene: SMARCB1 (SWI/SNF related BAF chromatin remodeling complex subunit B1; plus strand). Cytogenetic location: 22q11.23.
Variant type: single nucleotide variant.
Coding change: c.413G>C on transcript NM_003073.5 (MANE Select); coding-DNA position 413, G replaced by C.
Protein change: p.Ser138Thr; replaces serine 138 with threonine.
Molecular consequence: missense variant.
Genome position (GRCh38, 1-based): chr22:23,800,994, G>C. VCF-style: chr22-23800994-G-C. GRCh37 (hg19) VCF-style: chr22-24143181-G-C.
Other names: c.413G>C (NM_003073.3); c.386G>C, p.Ser129Thr (NM_001007468.3, NM_001317946.2); c.413G>C, p.Ser138Thr (NM_001362877.2); short protein forms S129T, S138T.
Identifiers: ClinVar variation 1334614 (VCV001334614.14), dbSNP rs1929110548, ClinGen allele CA410934398.

ClinVar aggregate classification (germline): Uncertain significance. Review status: criteria provided, multiple submitters, no conflicts (2 of 4 stars). 3 submissions from 3 submitters: Uncertain significance (3). Last evaluated 2026-01-02.

Conditions:
Hereditary cancer-predisposing syndrome. Also called: Tumor predisposition; Hereditary Cancer Syndrome; Neoplastic Syndromes, Hereditary; Hereditary neoplastic syndrome. Identifiers: Orphanet 140162, MedGen C0027672, MeSH D009386, MONDO:0015356.

Allele frequency attached by ClinVar (database versions not stated): TOPMed below 0.00001.

Submissions (3):

Labcorp Genetics (formerly Invitae), Labcorp
Classification: Uncertain significance. Last evaluated: 2026-01-02. Review status: criteria provided, single submitter. Criteria: Invitae Variant Classification Sherloc (09022015). Collection method: clinical testing. Allele origin: germline.
Comment: This sequence change replaces serine, which is neutral and polar, with threonine, which is neutral and polar, at codon 138 of the SMARCB1 protein (p.Ser138Thr). This variant is not present in population databases (gnomAD no frequency). This variant has not been reported in the literature in individuals affected with SMARCB1-related conditions. ClinVar contains an entry for this variant (Variation ID: 1334614). Invitae Evidence Modeling of protein sequence and biophysical properties (such as structural, functional, and spatial information, amino acid conservation, physicochemical variation, residue mobility, and thermodynamic stability) indicates that this missense variant is not expected to disrupt SMARCB1 protein function with a negative predictive value of 80%. In summary, the available evidence is currently insufficient to determine the role of this variant in disease. Therefore, it has been classified as a Variant of Uncertain Significance.

Ambry Genetics
Classification: Uncertain significance for Hereditary cancer-predisposing syndrome. Last evaluated: 2025-07-07. Review status: criteria provided, single submitter. Criteria: Ambry Variant Classification Scheme 2023. Collection method: clinical testing. Allele origin: germline.
Comment: The p.S138T variant (also known as c.413G>C), located in coding exon 4 of the SMARCB1 gene, results from a G to C substitution at nucleotide position 413. The serine at codon 138 is replaced by threonine, an amino acid with similar properties. This amino acid position is highly conserved in available vertebrate species. In addition, the in silico prediction for this alteration is inconclusive. Based on the available evidence, the clinical significance of this variant remains unclear.

Greenwood Genetic Center Diagnostic Laboratories, Greenwood Genetic Center
Classification: Uncertain significance. Last evaluated: 2021-10-12. Review status: criteria provided, single submitter. Criteria: ACMG Guidelines, 2015. Collection method: clinical testing. Allele origin: germline. Affected: yes.
Comment: PM2, BS2